The following is an entry in ClinVar:

ClinVar aggregate classification (germline): Uncertain significance (1 of 4 stars; one submission).

gnomAD v4.1: 1 of 1,614,200 alleles (0.000062%); highest among the groups gnomAD compares: Admixed American, 0.0017%; no homozygotes.

Submission:

GeneDx
Classification: Uncertain significance. Last evaluated: 2025-05-20. Review status: criteria provided, single submitter. Criteria: GeneDx Variant Classification Process June 2021. Collection method: clinical testing. Allele origin: germline. Affected: yes.
Comment: Not observed at significant frequency in large population cohorts (gnomAD); In silico analysis supports that this missense variant has a deleterious effect on protein structure/function; Has not been previously published as pathogenic or benign to our knowledge

NM_004415.4(DSP):c.3116A>C (p.Glu1039Ala)

Gene: DSP (desmoplakin; plus strand). Cytogenetic location: 6p24.3.
Variant type: single nucleotide variant.
Coding change: c.3116A>C on transcript NM_004415.4 (MANE Select); coding-DNA position 3116, A replaced by C.
Protein change: p.Glu1039Ala; replaces glutamic acid 1039 with alanine.
Molecular consequence: missense variant.
Genome position (GRCh38, 1-based): chr6:7,579,306, A>C. VCF-style: chr6-7579306-A-C. GRCh37 (hg19) VCF-style: chr6-7579539-A-C.
Other names: c.3116A>C, p.Glu1039Ala (NM_001008844.3, NM_001319034.2); short protein forms E1039A.
Identifiers: ClinVar variation 4530973 (VCV004530973.1).